The following is an entry in ClinVar:

NM_000465.4(BARD1):c.1437A>C (p.Leu479Phe)

Gene: BARD1 (BRCA1 associated RING domain 1; minus strand). Cytogenetic location: 2q35.
Variant type: single nucleotide variant.
Coding change: c.1437A>C on transcript NM_000465.4 (MANE Select); coding-DNA position 1437, A replaced by C.
Protein change: p.Leu479Phe; replaces leucine 479 with phenylalanine.
Molecular consequence: missense variant. On other transcripts: non-coding transcript variant (3), intron variant (3).
Genome position (GRCh38, 1-based): chr2:214,767,613, T>G on the plus strand (A>C on the coding strand, the complement: BARD1 is on the minus strand). VCF-style: chr2-214767613-T-G. GRCh37 (hg19) VCF-style: chr2-215632337-T-G.
Other names: c.1380A>C, p.Leu460Phe (NM_001282543.2); c.159-15058A>C (NM_001282548.2); c.216-15058A>C (NM_001282545.2); c.364+24684A>C (NM_001282549.2); short protein forms L460F, L479F.
Identifiers: ClinVar variation 3479722 (VCV003479722.1).

ClinVar aggregate classification (germline): Uncertain significance (1 of 4 stars; one submission).

Conditions:
Hereditary cancer-predisposing syndrome. Also called: Tumor predisposition; Neoplastic Syndromes, Hereditary; Hereditary neoplastic syndrome; Hereditary Cancer Syndrome. Identifiers: Orphanet 140162, MedGen C0027672, MeSH D009386, MONDO:0015356.

Submission:

Ambry Genetics
Classification: Uncertain significance for Hereditary cancer-predisposing syndrome. Last evaluated: 2024-09-14. Review status: criteria provided, single submitter. Criteria: Ambry Variant Classification Scheme 2023. Collection method: clinical testing. Allele origin: germline.
Comment: The p.L479F variant (also known as c.1437A>C), located in coding exon 6 of the BARD1 gene, results from an A to C substitution at nucleotide position 1437. The leucine at codon 479 is replaced by phenylalanine, an amino acid with highly similar properties. This amino acid position is well conserved in available vertebrate species. In addition, this alteration is predicted to be tolerated by in silico analysis. Based on the available evidence, the clinical significance of this variant remains unclear.